The following is an entry in ClinVar:

ClinVar aggregate classification (germline): Likely benign. Review status: criteria provided, multiple submitters, no conflicts (2 of 4 stars). 2 submissions from 2 submitters: Likely benign (2). Last evaluated 2025-09-01.

Conditions:
Dyskeratosis congenita. Identifiers: Orphanet 1775, MedGen C0265965, MONDO:0015780.

gnomAD v4.1: 6 of 1,598,756 alleles (0.00038%); highest among the groups gnomAD compares: South Asian, 0.0022%; no homozygotes.

Submissions (2):

CeGaT Center for Human Genetics Tuebingen
Classification: Likely benign. Last evaluated: 2025-09-01. Review status: criteria provided, single submitter. Criteria: CeGaT Center For Human Genetics Tuebingen Variant Classification Criteria Version 2. Collection method: clinical testing. Allele origin: germline. Affected: yes. Observed: 1 variant allele.
Comment: CTC1: BP4, BP7

Labcorp Genetics (formerly Invitae), Labcorp
Classification: Likely benign for Dyskeratosis congenita. Last evaluated: 2023-11-01. Review status: criteria provided, single submitter. Criteria: Invitae Variant Classification Sherloc (09022015). Collection method: clinical testing. Allele origin: germline.

NM_025099.6(CTC1):c.438C>T (p.Leu146=)

Gene: CTC1 (CST telomere replication complex component 1; minus strand). Cytogenetic location: 17p13.1.
Variant type: single nucleotide variant.
Coding change: c.438C>T on transcript NM_025099.6 (MANE Select); coding-DNA position 438, C replaced by T.
Protein change: p.Leu146=; no amino-acid change (leucine 146 retained).
Molecular consequence: synonymous variant. On other transcripts: non-coding transcript variant (1).
Genome position (GRCh38, 1-based): chr17:8,238,240, G>A on the plus strand (C>T on the coding strand, the complement: CTC1 is on the minus strand). VCF-style: chr17-8238240-G-A. GRCh37 (hg19) VCF-style: chr17-8141558-G-A.
Other names: c.438C>T, p.Leu146= (NM_001411067.1).
Identifiers: ClinVar variation 2728963 (VCV002728963.11), dbSNP rs922605347, ClinGen allele CA287539209.
Genomic context (GRCh38, chr17:8,238,240, plus strand): 5'-GAGGTAACTCCAACGGGGGAACAGAAAAAGATGGCCCAACCAAGAAAGGTCCAGGTCTAT[G>A]AGCTAAGAAAGACCAAGAGCAAGGGTTAATCAGAACCTTAGCATCCTATCCACCCACCTC-3'
Protein context (NP_079375.3, residues 136-156): RDNTGVLSCE[Leu146=]IDLDLSWLGH